The following is an entry in ClinVar:

NM_001243279.3(ACSF3):c.1523C>T (p.Pro508Leu)

Gene: ACSF3 (acyl-CoA synthetase family member 3; plus strand). Cytogenetic location: 16q24.3.
Variant type: single nucleotide variant.
Coding change: c.1523C>T on transcript NM_001243279.3 (MANE Select); coding-DNA position 1523, C replaced by T.
Protein change: p.Pro508Leu; replaces proline 508 with leucine.
Molecular consequence: missense variant. On other transcripts: non-coding transcript variant (4).
Genome position (GRCh38, 1-based): chr16:89,145,959, C>T. VCF-style: chr16-89145959-C-T. GRCh37 (hg19) VCF-style: chr16-89212367-C-T.
Other names: c.1523C>T, p.Pro508Leu (NM_001127214.4, NM_174917.5); c.728C>T, p.Pro243Leu (NM_001284316.2); short protein forms P243L, P508L.
Identifiers: ClinVar variation 3708189 (VCV003708189.2).
Genomic context (GRCh38, chr16:89,145,959, plus strand): 5'-AGGCATCCCCATGTTCTCAAACTGTTCTTCTATCCGCAGATGTGGCTGTGATTGGAGTTC[C>T]GGATATGACATGGGGCCAGCGGGTCACTGCTGTGGTGACCCTCCGAGAAGGACACTCACT-3'
Protein context (NP_001230208.1, residues 498-518): SITDVAVIGV[Pro508Leu]DMTWGQRVTA

ClinVar aggregate classification (germline): Uncertain significance (1 of 4 stars; one submission).

Conditions:
Combined malonic and methylmalonic acidemia. Identifiers: Orphanet 289504, MedGen C3280314, MONDO:0013661, OMIM 614265.

gnomAD v4.1: 13 of 1,600,808 alleles (0.00081%); highest among the groups gnomAD compares: Middle Eastern, 0.033%; no homozygotes.

Submission:

Labcorp Genetics (formerly Invitae), Labcorp
Classification: Uncertain significance for Combined malonic and methylmalonic acidemia. Last evaluated: 2024-03-07. Review status: criteria provided, single submitter. Criteria: Invitae Variant Classification Sherloc (09022015). Collection method: clinical testing. Allele origin: germline.
Comment: This sequence change replaces proline, which is neutral and non-polar, with leucine, which is neutral and non-polar, at codon 508 of the ACSF3 protein (p.Pro508Leu). This variant is present in population databases (rs748802669, gnomAD 0.008%). This variant has not been reported in the literature in individuals affected with ACSF3-related conditions. Advanced modeling of protein sequence and biophysical properties (such as structural, functional, and spatial information, amino acid conservation, physicochemical variation, residue mobility, and thermodynamic stability) has been performed at Invitae for this missense variant, however the output from this modeling did not meet the statistical confidence thresholds required to predict the impact of this variant on ACSF3 protein function. In summary, the available evidence is currently insufficient to determine the role of this variant in disease. Therefore, it has been classified as a Variant of Uncertain Significance.